The following is an entry in ClinVar:

NM_001394372.1(BICRA):c.4081G>A (p.Gly1361Ser)

Gene: BICRA (BRD4 interacting chromatin remodeling complex associated protein; plus strand). Cytogenetic location: 19q13.33.
Variant type: single nucleotide variant.
Coding change: c.4081G>A on transcript NM_001394372.1 (MANE Select); coding-DNA position 4081, G replaced by A.
Protein change: p.Gly1361Ser; replaces glycine 1361 with serine.
Molecular consequence: missense variant.
Genome position (GRCh38, 1-based): chr19:47,701,813, G>A. VCF-style: chr19-47701813-G-A. GRCh37 (hg19) VCF-style: chr19-48205070-G-A.
Other names: c.4081G>A, p.Gly1361Ser (NM_015711.3); short protein forms G1361S.
Identifiers: ClinVar variation 1800612 (VCV001800612.1), dbSNP rs2514138654, ClinGen allele CA406614585.

ClinVar aggregate classification (germline): Uncertain significance (1 of 4 stars; one submission).

Allele frequency attached by ClinVar (database versions not stated): gnomAD exomes below 0.00001.
gnomAD v4.1: 1 of 1,534,216 alleles (0.000065%); highest among the groups gnomAD compares: Non-Finnish European, 0.000087%; no homozygotes.

Submission:

GeneDx
Classification: Uncertain significance. Last evaluated: 2022-05-20. Review status: criteria provided, single submitter. Criteria: GeneDx Variant Classification Process June 2021. Collection method: clinical testing. Allele origin: germline. Affected: yes.
Comment: Not observed at significant frequency in large population cohorts (gnomAD); In silico analysis supports that this missense variant does not alter protein structure/function; Has not been previously published as pathogenic or benign to our knowledge